The following is an entry in ClinVar:

ClinVar aggregate classification (germline): Uncertain significance. Review status: criteria provided, multiple submitters, no conflicts (2 of 4 stars). 2 submissions from 2 submitters: Uncertain significance (2). Last evaluated 2024-09-15.

Conditions:
Inborn genetic diseases. Identifiers: MedGen C0950123, MeSH D030342.
Hereditary sensory neuropathy-deafness-dementia syndrome. Also called: HSN IE; Hereditary sensory neuropathy type IE; NEUROPATHY, HEREDITARY SENSORY, WITH HEARING LOSS AND DEMENTIA; Hereditary Sensory and Autonomic Neuropathy Type 1E (HSAN1E). Identifiers: Orphanet 456318, MedGen C3279885, MONDO:0013584, OMIM 614116.

gnomAD v4.1: 3 of 1,614,042 alleles (0.00019%); highest among the groups gnomAD compares: Non-Finnish European, 0.00017%; no homozygotes.

Submissions (2):

Labcorp Genetics (formerly Invitae), Labcorp
Classification: Uncertain significance for Hereditary sensory neuropathy-deafness-dementia syndrome. Last evaluated: 2024-09-15. Review status: criteria provided, single submitter. Criteria: Invitae Variant Classification Sherloc (09022015). Collection method: clinical testing. Allele origin: germline.
Comment: This sequence change replaces arginine, which is basic and polar, with histidine, which is basic and polar, at codon 1120 of the DNMT1 protein (p.Arg1120His). This variant is not present in population databases (gnomAD no frequency). This variant has not been reported in the literature in individuals affected with DNMT1-related conditions. ClinVar contains an entry for this variant (Variation ID: 1730097). Invitae Evidence Modeling of protein sequence and biophysical properties (such as structural, functional, and spatial information, amino acid conservation, physicochemical variation, residue mobility, and thermodynamic stability) indicates that this missense variant is not expected to disrupt DNMT1 protein function with a negative predictive value of 80%. In summary, the available evidence is currently insufficient to determine the role of this variant in disease. Therefore, it has been classified as a Variant of Uncertain Significance.

Ambry Genetics
Classification: Uncertain significance for Inborn genetic diseases. Last evaluated: 2019-12-02. Review status: criteria provided, single submitter. Criteria: Ambry Variant Classification Scheme 2023. Collection method: clinical testing. Allele origin: germline.
Comment: The p.R1104H variant (also known as c.3311G>A), located in coding exon 30 of the DNMT1 gene, results from a G to A substitution at nucleotide position 3311. The arginine at codon 1104 is replaced by histidine, an amino acid with highly similar properties. This amino acid position is highly conserved in available vertebrate species. In addition, the in silico prediction for this alteration is inconclusive. Since supporting evidence is limited at this time, the clinical significance of this alteration remains unclear.

NM_001130823.3(DNMT1):c.3359G>A (p.Arg1120His)

Gene: DNMT1 (DNA methyltransferase 1; minus strand). Cytogenetic location: 19p13.2.
Variant type: single nucleotide variant.
Coding change: c.3359G>A on transcript NM_001130823.3 (MANE Select); coding-DNA position 3359, G replaced by A.
Protein change: p.Arg1120His; replaces arginine 1120 with histidine.
Molecular consequence: missense variant.
Genome position (GRCh38, 1-based): chr19:10,141,140, C>T on the plus strand (G>A on the coding strand, the complement: DNMT1 is on the minus strand). VCF-style: chr19-10141140-C-T. GRCh37 (hg19) VCF-style: chr19-10251816-C-T.
Other names: c.3311G>A, p.Arg1104His (NM_001318730.2, NM_001379.4); c.2996G>A, p.Arg999His (NM_001318731.2); short protein forms R1104H, R1120H, R999H.
Identifiers: ClinVar variation 1730097 (VCV001730097.4), dbSNP rs2513783067, ClinGen allele CA403974237.